The following is an entry in ClinVar:

NM_001378743.1(CYLD):c.2241G>A (p.Glu747=)

Genes: CYLD (CYLD lysine 63 deubiquitinase; plus strand), CYLD-AS2 (CYLD antisense RNA 2; minus strand). Cytogenetic location: 16q12.1.
Variant type: single nucleotide variant.
Coding change: c.2241G>A on transcript NM_001378743.1 (MANE Select); coding-DNA position 2241, G replaced by A.
Protein change: p.Glu747=; no amino-acid change (glutamic acid 747 retained).
Molecular consequence: synonymous variant. On other transcripts: non-coding transcript variant (1).
Genome position (GRCh38, 1-based): chr16:50,791,690, G>A. VCF-style: chr16-50791690-G-A. GRCh37 (hg19) VCF-style: chr16-50825601-G-A.
Other names: c.2232G>A, p.Glu744= (NM_001042355.2, NM_001042412.3, NM_001378744.1 and 6 more transcripts); c.2202G>A, p.Glu734= (NM_001378751.1, NM_001378752.1, NM_001378753.1); c.1566G>A, p.Glu522= (NM_001378754.1, NM_001378755.1); c.2241G>A, p.Glu747= (NM_015247.3).
Identifiers: ClinVar variation 4723259 (VCV004723259.1).

ClinVar aggregate classification (germline): Uncertain significance (1 of 4 stars; one submission).

Submission:

Labcorp Genetics (formerly Invitae), Labcorp
Classification: Uncertain significance. Last evaluated: 2025-07-16. Review status: criteria provided, single submitter. Criteria: Invitae Variant Classification Sherloc (09022015). Collection method: clinical testing. Allele origin: germline.
Comment: This sequence change affects codon 747 of the CYLD mRNA. It is a 'silent' change, meaning that it does not change the encoded amino acid sequence of the CYLD protein. This variant also falls at the last nucleotide of exon 16, which is part of the consensus splice site for this exon. This variant is not present in population databases (gnomAD no frequency). This variant has not been reported in the literature in individuals affected with CYLD-related conditions. Variants that disrupt the consensus splice site are a relatively common cause of aberrant splicing (PMID: 17576681, 9536098). Algorithms developed to predict the effect of sequence changes on RNA splicing suggest that this variant may disrupt the consensus splice site. In summary, the available evidence is currently insufficient to determine the role of this variant in disease. Therefore, it has been classified as a Variant of Uncertain Significance.

Literature cited by the submitters: PubMed 17576681; PubMed 9536098.